The following is an entry in ClinVar:

ClinVar aggregate classification (germline): Pathogenic (1 of 4 stars; one submission).

Conditions:
Hereditary cancer-predisposing syndrome. Also called: Hereditary neoplastic syndrome; Neoplastic Syndromes, Hereditary; Tumor predisposition; Hereditary Cancer Syndrome. Identifiers: Orphanet 140162, MedGen C0027672, MeSH D009386, MONDO:0015356.

Submission:

Ambry Genetics
Classification: Pathogenic for Hereditary cancer-predisposing syndrome. Last evaluated: 2022-09-02. Review status: criteria provided, single submitter. Criteria: Ambry Variant Classification Scheme 2023. Collection method: clinical testing. Allele origin: germline.
Comment: The c.7450delG pathogenic mutation, located in coding exon 49 of the ATM gene, results from a deletion of one nucleotide at nucleotide position 7450, causing a translational frameshift with a predicted alternate stop codon (p.V2484Yfs*20). This variant is considered to be rare based on population cohorts in the Genome Aggregation Database (gnomAD). This alteration is expected to result in loss of function by premature protein truncation or nonsense-mediated mRNA decay. As such, this alteration is interpreted as a disease-causing mutation.

NM_000051.4(ATM):c.7450del (p.Val2484fs)

Genes: ATM (ATM serine/threonine kinase; plus strand), C11orf65 (chromosome 11 open reading frame 65; minus strand). Cytogenetic location: 11q22.3.
Variant type: Deletion.
Coding change: c.7450del on transcript NM_000051.4 (MANE Select); coding-DNA position 7450, one base deleted (G; older notation c.7450delG).
Protein change: p.Val2484fs; shifts the reading frame from valine 2484.
Molecular consequence: frameshift variant. On other transcripts: intron variant (2).
Genome position (GRCh38, 1-based): chr11:108,330,356, G deleted; the last of 3 consecutive G bases (chr11:108,330,354-108,330,356); deleting any one gives the same sequence. VCF-style (leftmost placement, unchanged base first): chr11-108330353-TG-T. GRCh37 (hg19) VCF-style: chr11-108201080-TG-T.
Other names: c.7450del, p.Val2484fs (NM_001351834.2); c.641-21283del (NM_001330368.2); c.*38+4866del (NM_001351110.2); short protein forms V2484fs.
Identifiers: ClinVar variation 1758981 (VCV001758981.2), dbSNP rs2547263342, ClinGen allele CA2580083366.